The following is an entry in ClinVar:

NM_000361.3(THBD):c.685G>A (p.Gly229Arg)

Gene: THBD (thrombomodulin; minus strand). Cytogenetic location: 20p11.21.
Variant type: single nucleotide variant.
Coding change: c.685G>A on transcript NM_000361.3 (MANE Select); coding-DNA position 685, G replaced by A.
Protein change: p.Gly229Arg; replaces glycine 229 with arginine.
Molecular consequence: missense variant.
Genome position (GRCh38, 1-based): chr20:23,048,820, C>T on the plus strand (G>A on the coding strand, the complement: THBD is on the minus strand). VCF-style: chr20-23048820-C-T. GRCh37 (hg19) VCF-style: chr20-23029457-C-T.
Other names: short protein forms G229R.
Identifiers: ClinVar variation 4761677 (VCV004761677.1).

ClinVar aggregate classification (germline): Uncertain significance (1 of 4 stars; one submission).

Submission:

Labcorp Genetics (formerly Invitae), Labcorp
Classification: Uncertain significance. Last evaluated: 2025-06-08. Review status: criteria provided, single submitter. Criteria: Invitae Variant Classification Sherloc (09022015). Collection method: clinical testing. Allele origin: germline.
Comment: This sequence change replaces glycine, which is neutral and non-polar, with arginine, which is basic and polar, at codon 229 of the THBD protein (p.Gly229Arg). This variant is not present in population databases (gnomAD no frequency). This variant has not been reported in the literature in individuals affected with THBD-related conditions. An algorithm developed to predict the effect of missense changes on protein structure and function (PolyPhen-2) suggests that this variant is likely to be disruptive. In summary, the available evidence is currently insufficient to determine the role of this variant in disease. Therefore, it has been classified as a Variant of Uncertain Significance.